The following is an entry in ClinVar:

ClinVar aggregate classification (germline): Uncertain significance (1 of 4 stars; one submission).

gnomAD v4.1: 10 of 1,614,132 alleles (0.00062%); highest among the groups gnomAD compares: Admixed American, 0.0033%; no homozygotes.

Submission:

Labcorp Genetics (formerly Invitae), Labcorp
Classification: Uncertain significance. Last evaluated: 2024-12-02. Review status: criteria provided, single submitter. Criteria: Invitae Variant Classification Sherloc (09022015). Collection method: clinical testing. Allele origin: germline.
Comment: This sequence change replaces aspartic acid, which is acidic and polar, with glutamic acid, which is acidic and polar, at codon 66 of the RP1L1 protein (p.Asp66Glu). This variant is present in population databases (no rsID available, gnomAD 0.006%). This variant has not been reported in the literature in individuals affected with RP1L1-related conditions. ClinVar contains an entry for this variant (Variation ID: 1943552). Invitae Evidence Modeling of protein sequence and biophysical properties (such as structural, functional, and spatial information, amino acid conservation, physicochemical variation, residue mobility, and thermodynamic stability) has been performed for this missense variant. However, the output from this modeling did not meet the statistical confidence thresholds required to predict the impact of this variant on RP1L1 protein function. In summary, the available evidence is currently insufficient to determine the role of this variant in disease. Therefore, it has been classified as a Variant of Uncertain Significance.

NM_178857.6(RP1L1):c.198C>G (p.Asp66Glu)

Gene: RP1L1 (RP1 like 1). Cytogenetic location: 8p23.1.
Variant type: single nucleotide variant.
Coding change: c.198C>G on transcript NM_178857.6 (MANE Select); coding-DNA position 198, C replaced by G.
Protein change: p.Asp66Glu; replaces aspartic acid 66 with glutamic acid.
Molecular consequence: missense variant.
Genome position (GRCh38, 1-based): chr8:10,623,004, G>C on the plus strand (C>G on the coding strand, the complement: RP1L1 is on the minus strand). VCF-style: chr8-10623004-G-C. GRCh37 (hg19) VCF-style: chr8-10480514-G-C.
Other names: short protein forms D66E.
Identifiers: ClinVar variation 1943552 (VCV001943552.5), dbSNP rs148800956, ClinGen allele CA370300873.